The following is an entry in ClinVar:

NM_182961.4(SYNE1):c.4487A>G (p.Lys1496Arg)

Gene: SYNE1 (spectrin repeat containing nuclear envelope protein 1; minus strand). Cytogenetic location: 6q25.2.
Variant type: single nucleotide variant.
Coding change: c.4487A>G on transcript NM_182961.4 (MANE Select); coding-DNA position 4487, A replaced by G.
Protein change: p.Lys1496Arg; replaces lysine 1496 with arginine.
Molecular consequence: missense variant.
Genome position (GRCh38, 1-based): chr6:152,430,684, T>C on the plus strand (A>G on the coding strand, the complement: SYNE1 is on the minus strand). VCF-style: chr6-152430684-T-C. GRCh37 (hg19) VCF-style: chr6-152751819-T-C.
Other names: c.4508A>G, p.Lys1503Arg (NM_033071.5); short protein forms K1496R, K1503R.
Identifiers: ClinVar variation 1381094 (VCV001381094.8), dbSNP rs146300279, ClinGen allele CA4058538.
Genomic context (GRCh38, chr6:152,430,684, plus strand): 5'-GTGGTAACAAACTGAGCAAAAGACTGGGCTTCTTCTTCTAATCCTACAATGCTGCTGAGC[T>C]TACTTTCTATTTCCTGAATTGTGACCTAATAGTTAAAACAAGAAAAATGACAATGTAGGC-3'
Protein context (NP_892006.3, residues 1486-1506): IKVTIQEIES[Lys1496Arg]LSSIVGLEEE

ClinVar aggregate classification (germline): Uncertain significance (1 of 4 stars; one submission).

Conditions:
Emery-Dreifuss muscular dystrophy 4, autosomal dominant (EDMD4). Also called: EMERY-DREIFUSS MUSCULAR DYSTROPHY 4 WITH VARIABLE FEATURES. Identifiers: Orphanet 261, MedGen C2751807, MONDO:0013071, OMIM 612998.
Autosomal recessive ataxia, Beauce type. Also called: SYNE1-Related Autosomal Recessive Cerebellar Ataxia; Spinocerebellar ataxia, autosomal recessive 8; ATAXIA, RECESSIVE, OF BEAUCE; SYNE1 Deficiency. Identifiers: Orphanet 88644, MedGen C1853116, MONDO:0012549, OMIM 610743.

Allele frequency attached by ClinVar (database versions not stated): gnomAD exomes 0.00001; ExAC 0.00002; gnomAD 0.00002 and 0.00003; TOPMed 0.00003; ESP Exome Variant Server 0.00008; 1000 Genomes Project 30x 0.00016; 1000 Genomes Project 0.00020.
gnomAD v4.1: 5 of 1,614,140 alleles (0.00031%); highest among the groups gnomAD compares: African/African-American, 0.0053%; no homozygotes.

Submission:

Labcorp Genetics (formerly Invitae), Labcorp
Classification: Uncertain significance for Emery-Dreifuss muscular dystrophy 4, autosomal dominant; Autosomal recessive ataxia, Beauce type. Last evaluated: 2022-06-20. Review status: criteria provided, single submitter. Criteria: Invitae Variant Classification Sherloc (09022015). Collection method: clinical testing. Allele origin: germline.
Comment: In summary, the available evidence is currently insufficient to determine the role of this variant in disease. Therefore, it has been classified as a Variant of Uncertain Significance. Algorithms developed to predict the effect of missense changes on protein structure and function output the following: SIFT: "Tolerated"; PolyPhen-2: "Benign"; Align-GVGD: "Class C0". The arginine amino acid residue is found in multiple mammalian species, which suggests that this missense change does not adversely affect protein function. This variant has not been reported in the literature in individuals affected with SYNE1-related conditions. This variant is present in population databases (rs146300279, gnomAD 0.01%). This sequence change replaces lysine, which is basic and polar, with arginine, which is basic and polar, at codon 1503 of the SYNE1 protein (p.Lys1503Arg).